The following is an entry in ClinVar:

ClinVar aggregate classification (germline): Uncertain significance (1 of 4 stars; one submission).

Submission:

Labcorp Genetics (formerly Invitae), Labcorp
Classification: Uncertain significance. Last evaluated: 2022-03-19. Review status: criteria provided, single submitter. Criteria: Invitae Variant Classification Sherloc (09022015). Collection method: clinical testing. Allele origin: germline.
Comment: This sequence change replaces histidine, which is basic and polar, with tyrosine, which is neutral and polar, at codon 391 of the SMARCD2 protein (p.His391Tyr). This variant is not present in population databases (gnomAD no frequency). This variant has not been reported in the literature in individuals affected with SMARCD2-related conditions. Algorithms developed to predict the effect of missense changes on protein structure and function are either unavailable or do not agree on the potential impact of this missense change (SIFT: "Tolerated"; PolyPhen-2: "Probably Damaging"; Align-GVGD: "Class C0"). In summary, the available evidence is currently insufficient to determine the role of this variant in disease. Therefore, it has been classified as a Variant of Uncertain Significance.

NM_001098426.2(SMARCD2):c.1171C>T (p.His391Tyr)

Gene: SMARCD2 (SWI/SNF related BAF chromatin remodeling complex subunit D2; minus strand). Cytogenetic location: 17q23.3.
Variant type: single nucleotide variant.
Coding change: c.1171C>T on transcript NM_001098426.2 (MANE Select); coding-DNA position 1171, C replaced by T.
Protein change: p.His391Tyr; replaces histidine 391 with tyrosine.
Molecular consequence: missense variant.
Genome position (GRCh38, 1-based): chr17:63,833,919, G>A on the plus strand (C>T on the coding strand, the complement: SMARCD2 is on the minus strand). VCF-style: chr17-63833919-G-A. GRCh37 (hg19) VCF-style: chr17-61911279-G-A.
Other names: c.946C>T, p.His316Tyr (NM_001330439.1); c.1027C>T, p.His343Tyr (NM_001330440.2); short protein forms H316Y, H343Y, H391Y.
Identifiers: ClinVar variation 2005714 (VCV002005714.4), dbSNP rs2511438458, ClinGen allele CA400599243.
Genomic context (GRCh38, chr17:63,833,919, plus strand): 5'-GGGTGAATCTGCTCTTAGAAGAGCCTTCCTGTCCCCCTCCTTGCATTTACCTAATGACAT[G>A]GTTGATGACAATGGGGTCTGGATGCTGCAGCAACCCTGCCAGCTTCATGGGAATCTCGGA-3'
Protein context (NP_001091896.1, residues 381-401): LQHPDPIVIN[His391Tyr]VISVDPNDQK